The following is an entry in ClinVar:

ClinVar aggregate classification (germline): Conflicting classifications of pathogenicity. Review status: criteria provided, conflicting classifications (1 of 4 stars). 8 submissions from 8 submitters: Uncertain significance (4); Likely benign (3). 1 of the submissions does not count toward it. Last evaluated 2025-12-29.

Conditions:
ATM-related disorder. Also called: ATM-related disorders; ATM-related condition.
Hereditary cancer-predisposing syndrome. Also called: Neoplastic Syndromes, Hereditary; Hereditary Cancer Syndrome; Tumor predisposition; Hereditary neoplastic syndrome. Identifiers: Orphanet 140162, MedGen C0027672, MeSH D009386, MONDO:0015356.
Ataxia-telangiectasia syndrome (AT). Also called: Ataxia-telangiectasia, complementation group D; AT, COMPLEMENTATION GROUP C; Ataxia-telangiectasia; ATAXIA-TELANGIECTASIA, COMPLEMENTATION GROUP A; ATAXIA-TELANGIECTASIA, FRESNO VARIANT; Ataxia-telangiectasia, complementation group E. Identifiers: Orphanet 100, MedGen C0004135, MONDO:0008840, OMIM 208900.

Allele frequency attached by ClinVar (database versions not stated): gnomAD 0.00001; TOPMed 0.00001; gnomAD exomes 0.00002; ExAC 0.00004.
gnomAD v4.1: 54 of 1,610,208 alleles (0.0034%); highest among the groups gnomAD compares: Non-Finnish European, 0.0046%; no homozygotes.

Submissions (8):

Center for Genomic Medicine, Rigshospitalet, Copenhagen University Hospital
Classification: Uncertain significance. Last evaluated: 2025-12-29. Review status: criteria provided, single submitter. Criteria: ACMG Guidelines, 2015. Collection method: clinical testing. Allele origin: germline.

Labcorp Genetics (formerly Invitae), Labcorp
Classification: Likely benign for Ataxia-telangiectasia syndrome. Last evaluated: 2025-12-16. Review status: criteria provided, single submitter. Criteria: Invitae Variant Classification Sherloc (09022015). Collection method: clinical testing. Allele origin: germline.

PreventionGenetics, part of Exact Sciences
Classification: Likely benign for ATM-related condition. Last evaluated: 2025-05-19. Review status: criteria provided, single submitter. Criteria: ACMG Guidelines, 2015. Collection method: clinical testing. Allele origin: germline.
Comment: This variant is classified as likely benign based on ACMG/AMP sequence variant interpretation guidelines (Richards et al. 2015 PMID: 25741868, with internal and published modifications).

Institute for Biomarker Research, Medical Diagnostic Laboratories, L.L.C.
Classification: Uncertain significance for Hereditary cancer-predisposing syndrome. Last evaluated: 2024-12-09. Review status: criteria provided, single submitter. Criteria: ACMG Guidelines, 2015. Collection method: clinical testing. Allele origin: germline.
Comment: The splice region variant NM_000051.4(ATM):c.8850+4A>C has not been reported previously as a pathogenic variant, to our knowledge. The c.8850+4A>C variant is not predicted to disrupt the existing donor splice site 2bp upstream by any splice site algorithm. The c.8850+4A>C variant is predicted to introduce a novel splice site by 1 of 4 splice site algorithms. The c.8850+4A>C variant results in a substitution of a base that is not predicted conserved by GERP++ and PhyloP. For these reasons, this variant has been classified as Uncertain Significance.

Color Diagnostics, LLC DBA Color Health
Classification: Uncertain significance for Hereditary cancer-predisposing syndrome. Last evaluated: 2024-04-30. Review status: criteria provided, single submitter. Criteria: ACMG Guidelines, 2015. Collection method: clinical testing. Allele origin: germline.
Comment: This variant causes an A to C nucleotide substitution at the +4 position of intron 61 of the ATM gene. Splice site prediction tools are inconclusive regarding the impact of this variant on RNA splicing. To our knowledge, RNA studies have not been reported for this variant. This variant has not been reported in individuals affected with hereditary cancer in the literature. This variant has been identified in 6/251248 chromosomes in the general population by the Genome Aggregation Database (gnomAD). The available evidence is insufficient to determine the role of this variant in disease conclusively. Therefore, this variant is classified as a Variant of Uncertain Significance.

GeneDx
Classification: Uncertain significance. Last evaluated: 2023-11-07. Review status: criteria provided, single submitter. Criteria: GeneDx Variant Classification Process June 2021. Collection method: clinical testing. Allele origin: germline. Affected: yes.
Comment: Not observed at significant frequency in large population cohorts (gnomAD); In silico analysis supports that this variant does not alter splicing; Observed in an individual with breast cancer in the published literature (PMID: 28779002); This variant is associated with the following publications: (PMID: 28779002)

Ambry Genetics
Classification: Likely benign for Hereditary cancer-predisposing syndrome. Last evaluated: 2019-11-06. Review status: criteria provided, single submitter. Criteria: Ambry Variant Classification Scheme 2023. Collection method: clinical testing. Allele origin: germline.

Counsyl
Classification: Uncertain significance for Ataxia-telangiectasia syndrome. Last evaluated: 2017-04-05. Review status: no assertion criteria provided. Collection method: clinical testing. Allele origin: unknown. Not counted in ClinVar's aggregate classification.

NM_000051.4(ATM):c.8850+4A>C

Genes: ATM (ATM serine/threonine kinase; plus strand), C11orf65 (chromosome 11 open reading frame 65; minus strand). Cytogenetic location: 11q22.3.
Variant type: single nucleotide variant.
Coding change: c.8850+4A>C on transcript NM_000051.4 (MANE Select); 4 bases into the intron after coding-DNA position 8850, A replaced by C.
Molecular consequence: intron variant.
Genome position (GRCh38, 1-based): chr11:108,354,878, A>C. VCF-style: chr11-108354878-A-C. GRCh37 (hg19) VCF-style: chr11-108225605-A-C.
Other names: c.8850+4A>C (NM_001351834.2); c.640+31042T>G (NM_001330368.2); c.695-19586T>G (NM_001351110.2).
Identifiers: ClinVar variation 142250 (VCV000142250.25), dbSNP rs587782335, ClinGen allele CA294337.